The following is an entry in ClinVar:

NM_018486.3(HDAC8):c.839_843delinsGT (p.Thr280_Pro281delinsSer)

Gene: HDAC8 (histone deacetylase 8; minus strand). Cytogenetic location: Xq13.1.
Variant type: Indel.
Coding change: c.839_843delinsGT on transcript NM_018486.3 (MANE Select); coding-DNA positions 839 to 843, CTCCA replaced by GT.
Protein change: p.Thr280_Pro281delinsSer.
Molecular consequence: inframe indel. On other transcripts: non-coding transcript variant (1).
Genome position (GRCh38, 1-based): chrX:72,464,626-72,464,630, TGGAG replaced by AC on the plus strand (CTCCA replaced by GT on the coding strand, the reverse complement: HDAC8 is on the minus strand). VCF-style: chrX-72464626-TGGAG-AC. GRCh37 (hg19) VCF-style: chrX-71684476-TGGAG-AC.
Other names: c.566_570delinsGT, p.Thr189_Pro190delinsSer (NM_001166418.2).
Identifiers: ClinVar variation 369669 (VCV000369669.3), dbSNP rs1057516037, ClinGen allele CA10654773.
Genomic context (GRCh38, chrX:72,464,626, plus strand): 5'-CAAAATGAGTGTTGCCAACTGCCATTGAAGGATGTACTTAAGACACTTGCCAATTCCCAC[TGGAG>AC]TCATGTTAAAGGAGCACATGGGATCCCCAGCTATTGTGTCAGCTCCCAGCTGTAAGACCA-3'

ClinVar aggregate classification (germline): Likely pathogenic (1 of 4 stars; one submission).

Conditions:
Cornelia de Lange syndrome 5 (CDLS5). Also called: HDAC8-Related Cornelia de Lange Syndrome. Identifiers: Orphanet 199, MedGen C3550903, MONDO:0010471, OMIM 300882.

Submission:

Victorian Clinical Genetics Services, Murdoch Childrens Research Institute
Classification: Likely pathogenic for Cornelia de Lange syndrome 5. Last evaluated: 2015-02-13. Review status: criteria provided, single submitter. Criteria: ACMG Guidelines, 2015. Collection method: clinical testing. Allele origin: de novo. Inheritance: Autosomal dominant inheritance. Affected: yes. Observed: 1 variant allele.
Comment: This deletion of 5 residues and insertion of two residues is predicted to result in a substitution of threonine for a serine at position 280, and a deletion of a proline at position 281. The amino acids at these positions are highly conserved. MutationTaster predicts this deletion to be deleterirous. Both amino acids are located in teh histone deacetylase domain in close proximity to the active site. This varaint is novel, and was found to be de novo on parental testing.

Literature cited by the submitters: PubMed 26938784.